The following is an entry in ClinVar:

ClinVar aggregate classification (germline): Pathogenic (1 of 4 stars; one submission).

Conditions:
Juvenile polyposis syndrome (JPS). Identifiers: Orphanet 2929, MedGen C0345893, MONDO:0017380, OMIM 174900.

Submission:

Labcorp Genetics (formerly Invitae), Labcorp
Classification: Pathogenic for Juvenile polyposis syndrome. Last evaluated: 2022-03-18. Review status: criteria provided, single submitter. Criteria: Invitae Variant Classification Sherloc (09022015). Collection method: clinical testing. Allele origin: germline.
Comment: This sequence change creates a premature translational stop signal (p.Leu57*) in the SMAD4 gene. It is expected to result in an absent or disrupted protein product. Loss-of-function variants in SMAD4 are known to be pathogenic (PMID: 16152648, 16436638, 22810475). This variant is not present in population databases (gnomAD no frequency). This variant has not been reported in the literature in individuals affected with SMAD4-related conditions. For these reasons, this variant has been classified as Pathogenic.

Literature cited by the submitters: PubMed 16152648; PubMed 16436638; PubMed 22810475.

NM_005359.6(SMAD4):c.170_173del (p.Ser56_Leu57insTer)

Gene: SMAD4 (SMAD family member 4; plus strand). Cytogenetic location: 18q21.2.
Variant type: Deletion.
Coding change: c.170_173del on transcript NM_005359.6 (MANE Select); coding-DNA positions 170 to 173, 4 bases deleted (TAAT; older notation c.170_173delTAAT).
Protein change: p.Ser56_Leu57insTer.
Molecular consequence: nonsense. On other transcripts: frameshift variant (3).
Genome position (GRCh38, 1-based): chr18:51,047,216-51,047,219, TAAT deleted; deleting any 4 consecutive bases within chr18:51,047,215-51,047,219 gives the same sequence; the c. name uses the placement nearest the transcript's 3' end. VCF-style (leftmost placement, unchanged base first): chr18-51047214-TTTAA-T. GRCh37 (hg19) VCF-style: chr18-48573584-TTTAA-T.
Other names: c.170_173delTAAT, p.Leu57Terfs (NM_001407041.1, NM_001407042.1, NM_001407043.1).
Identifiers: ClinVar variation 2113672 (VCV002113672.4), dbSNP rs2511367798, ClinGen allele CA2580095844.